The following is an entry in ClinVar:

ClinVar aggregate classification (germline): Uncertain significance. Review status: criteria provided, multiple submitters, no conflicts (2 of 4 stars). 2 submissions from 2 submitters: Uncertain significance (2). Last evaluated 2024-11-07.

Conditions:
Xanthinuria type II. Also called: Xanthine dehydrogenase and aldehyde oxidase combined deficiency of; XDH and AOX dual deficiency. Identifiers: Orphanet 3467, Orphanet 93602, MedGen C1863688, MONDO:0011346, OMIM 603592.

Allele frequency attached by ClinVar (database versions not stated): ExAC 0.00004; gnomAD 0.00004; TOPMed 0.00004; gnomAD exomes 0.00014.

Submissions (2):

Ambry Genetics
Classification: Uncertain significance. Last evaluated: 2024-11-07. Review status: criteria provided, single submitter. Criteria: Ambry Variant Classification Scheme 2023. Collection method: clinical testing. Allele origin: germline.

Labcorp Genetics (formerly Invitae), Labcorp
Classification: Uncertain significance for Xanthinuria type II. Last evaluated: 2024-08-12. Review status: criteria provided, single submitter. Criteria: Invitae Variant Classification Sherloc (09022015). Collection method: clinical testing. Allele origin: germline.
Comment: This sequence change replaces arginine, which is basic and polar, with cysteine, which is neutral and slightly polar, at codon 280 of the MOCOS protein (p.Arg280Cys). This variant is present in population databases (rs754709411, gnomAD 0.01%). This variant has not been reported in the literature in individuals affected with MOCOS-related conditions. ClinVar contains an entry for this variant (Variation ID: 2175235). Advanced modeling of protein sequence and biophysical properties (such as structural, functional, and spatial information, amino acid conservation, physicochemical variation, residue mobility, and thermodynamic stability) performed at Invitae indicates that this missense variant is not expected to disrupt MOCOS protein function with a negative predictive value of 80%. In summary, the available evidence is currently insufficient to determine the role of this variant in disease. Therefore, it has been classified as a Variant of Uncertain Significance.

NM_017947.4(MOCOS):c.838C>T (p.Arg280Cys)

Gene: MOCOS (molybdenum cofactor sulfurase; plus strand). Cytogenetic location: 18q12.2.
Variant type: single nucleotide variant.
Coding change: c.838C>T on transcript NM_017947.4 (MANE Select); coding-DNA position 838, C replaced by T.
Protein change: p.Arg280Cys; replaces arginine 280 with cysteine.
Molecular consequence: missense variant.
Genome position (GRCh38, 1-based): chr18:36,200,221, C>T. VCF-style: chr18-36200221-C-T. GRCh37 (hg19) VCF-style: chr18-33780184-C-T.
Other names: c.838C>T (NM_017947.2); short protein forms R280C.
Identifiers: ClinVar variation 2175235 (VCV002175235.4), dbSNP rs754709411, ClinGen allele CA8940518.
Genomic context (GRCh38, chr18:36,200,221, plus strand): 5'-ATCTCCTTCTATAAGATCTTCGGGTTTCCTACAGGCCTGGGCGCTCTGCTGGTCCATAAT[C>T]GTGCGGCTCCTCTACTGAGGAAGACCTACTTTGGAGGAGGGACAGCCTCTGCGTACCTAG-3'
Protein context (NP_060417.4, residues 270-290): TGLGALLVHN[Arg280Cys]AAPLLRKTYF